The following is an entry in ClinVar:

NM_144997.7(FLCN):c.871+36G>A

Gene: FLCN (folliculin; minus strand). Cytogenetic location: 17p11.2.
Variant type: single nucleotide variant.
Coding change: c.871+36G>A on transcript NM_144997.7 (MANE Select); 36 bases into the intron after coding-DNA position 871, G replaced by A.
Molecular consequence: intron variant. On other transcripts: missense variant (1).
Genome position (GRCh38, 1-based): chr17:17,221,501, C>T on the plus strand (G>A on the coding strand, the complement: FLCN is on the minus strand). VCF-style: chr17-17221501-C-T. GRCh37 (hg19) VCF-style: chr17-17124815-C-T.
Other names: c.871+36G>A (NM_144997.6, NM_001353231.2, NM_001353230.2); c.907G>A, p.Gly303Arg (NM_144606.7); c.925+36G>A (NM_001353229.2); short protein forms G303R.
Identifiers: ClinVar variation 41861 (VCV000041861.17), dbSNP rs3744124, ClinGen allele CA159783.

ClinVar aggregate classification (germline): Benign/Likely benign. Review status: criteria provided, multiple submitters, no conflicts (2 of 4 stars). 8 submissions from 8 submitters: Benign (5); Likely benign (1). 2 of the submissions do not count toward it. Last evaluated 2026-01-29.

Conditions:
Birt-Hogg-Dube syndrome. Also called: Birt Hogg Dubé syndrome. Identifiers: Orphanet 122, MedGen C0346010, MONDO:0800444.

Allele frequency attached by ClinVar (database versions not stated): gnomAD exomes 0.05710 and 0.06902; ExAC 0.07251; gnomAD 0.07420; ESP Exome Variant Server 0.07750; TOPMed 0.07912; 1000 Genomes Project 30x 0.09728; 1000 Genomes Project 0.09964.
gnomAD v4.1: 95,387 of 1,613,860 alleles (5.9%); highest among the groups gnomAD compares: East Asian, 18%; 3,963 homozygotes.

Submissions (8):

Labcorp Genetics (formerly Invitae), Labcorp
Classification: Benign for Birt-Hogg-Dube syndrome. Last evaluated: 2026-01-29. Review status: criteria provided, single submitter. Criteria: Invitae Variant Classification Sherloc (09022015). Collection method: clinical testing. Allele origin: germline.

Blueprint Genetics
Classification: Likely benign. Last evaluated: 2024-11-28. Review status: criteria provided, single submitter. Criteria: ACMG Guidelines, 2015. Collection method: clinical testing. Allele origin: germline.

KCCC/NGS Laboratory, Kuwait Cancer Control Center
Classification: Benign for Birt-Hogg-Dube syndrome 1. Last evaluated: 2023-07-07. Review status: criteria provided, single submitter. Criteria: ACMG Guidelines, 2015. Collection method: clinical testing. Allele origin: germline. Affected: yes.

GeneDx
Classification: Benign. Last evaluated: 2015-03-03. Review status: criteria provided, single submitter. Criteria: GeneDx Variant Classification Process June 2021. Collection method: clinical testing. Allele origin: germline. Affected: yes.
Comment: This variant is associated with the following publications: (PMID: 27120335, 24728327)

Laboratory for Molecular Medicine, Mass General Brigham Personalized Medicine
Classification: Benign. Last evaluated: 2013-02-21. Review status: criteria provided, single submitter. Criteria: LMM Criteria. Collection method: clinical testing. Allele origin: germline. Observed: 13 variant alleles.
Comment: Gly303Arg in exon 8A of FLCN: This variant is not expected to have clinical sign ificance because it has been identified in 13.1% (579/4406) of African American chromosomes from a broad population by the NHLBI Exome Sequencing Project (dbSNP rs3744124).

Breakthrough Genomics
Classification: Benign. Review status: criteria provided, single submitter. Criteria: ACMG Guidelines, 2015. Collection method: not provided. Allele origin: germline. Inheritance: Autosomal dominant inheritance. Affected: yes.

ITMI
No classification provided. Condition: AllHighlyPenetrant. Last evaluated: 2013-09-19. Review status: no classification provided. Collection method: reference population. Allele origin: germline. Not counted in ClinVar's aggregate classification.
Comment: Please see associated publication for description of ethnicities

Biesecker Lab/Clinical Genomics Section, National Institutes of Health
Classification: Benign. Last evaluated: 2012-07-13. Review status: no assertion criteria provided. Collection method: research. Allele origin: germline. Affected: no. Observed: 49 variant alleles. Study: ClinSeq. Not counted in ClinVar's aggregate classification.
ClinVar note: Converted during submission from no known pathogenicity to Benign.

Literature cited by the submitters: PubMed 24728327 (cited by ITMI).